The following is an entry in ClinVar:

ClinVar aggregate classification (germline): Likely pathogenic (1 of 4 stars; one submission).

Conditions:
Congenital myasthenic syndrome (CMS). Also called: Congenital Myasthenic Syndromes. Identifiers: Orphanet 590, MedGen C0751882, MeSH D020294, MONDO:0018940.

gnomAD v4.1: 13 of 1,612,276 alleles (0.00081%); highest among the groups gnomAD compares: Admixed American, 0.0017%; no homozygotes.

Submission:

Women's Health and Genetics/Laboratory Corporation of America, LabCorp
Classification: Likely pathogenic for Congenital myasthenic syndrome. Last evaluated: 2025-10-15. Review status: criteria provided, single submitter. Criteria: LabCorp Variant Classification Summary - May 2015. Collection method: clinical testing. Allele origin: germline.
Comment: Variant summary: CHAT c.556C>T (p.Arg186Trp) results in a non-conservative amino acid change in the encoded protein sequence. Algorithms developed to predict the effect of missense changes on protein structure and function all suggest that this variant is likely to be disruptive. The variant allele was found at a frequency of 1.2e-05 in 245602 control chromosomes. c.556C>T has been observed in the compound heterozygous state in individual(s) affected with Congenital Myasthenic Syndrome (example, Arredondo_2015). At least one publication reports experimental evidence evaluating an impact on protein function. The most pronounced variant effect results in <10% of normal activity in vitro (example, Arredondo_2015). The following publications have been ascertained in the context of this evaluation (PMID: 33650116, 38696726, 29783273, 34028515, 32420686, 38304750, 26080897). No submitters have cited clinical-significance assessments for this variant to ClinVar. Based on the evidence outlined above, the variant was classified as likely pathogenic.

Literature cited by the submitters: PubMed 26080897; PubMed 32420686; PubMed 38304750; PubMed 38696726; PubMed 33650116; PubMed 29783273; PubMed 34028515.

NM_020549.5(CHAT):c.556C>T (p.Arg186Trp)

Gene: CHAT (choline O-acetyltransferase; plus strand). Cytogenetic location: 10q11.23.
Variant type: single nucleotide variant.
Coding change: c.556C>T on transcript NM_020549.5 (MANE Select); coding-DNA position 556, C replaced by T.
Protein change: p.Arg186Trp; replaces arginine 186 with tryptophan.
Molecular consequence: missense variant.
Genome position (GRCh38, 1-based): chr10:49,619,893, C>T. VCF-style: chr10-49619893-C-T. GRCh37 (hg19) VCF-style: chr10-50827939-C-T.
Other names: c.202C>T, p.Arg68Trp (NM_001142929.2, NM_001142934.2, NM_020984.4 and 2 more transcripts); c.310C>T, p.Arg104Trp (NM_001142933.2); short protein forms R104W, R186W, R68W.
Identifiers: ClinVar variation 4687266 (VCV004687266.1).
Genomic context (GRCh38, chr10:49,619,893, plus strand): 5'-GTGCAGCAGTTTGGGGCCCCTGGTGGCCTCGGCGAGACCCTGCAGCAGAAACTCCTGGAG[C>T]GGCAGGAGAAGACAGCCAACTGGGTAAGAGGGGCAGACAAGGAACCCATAGAAGAGGGGC-3'
Protein context (NP_065574.4, residues 176-196): GETLQQKLLE[Arg186Trp]QEKTANWVSE